The following is an entry in ClinVar:

NM_080425.4(GNAS):c.1289A>G (p.Asp430Gly)

Gene: GNAS (GNAS complex locus; plus strand). Cytogenetic location: 20q13.32.
Variant type: single nucleotide variant.
Coding change: c.1289A>G on transcript NM_080425.4 (MANE Plus Clinical); coding-DNA position 1289, A replaced by G.
Protein change: p.Asp430Gly; replaces aspartic acid 430 with glycine.
Molecular consequence: missense variant. On other transcripts: intron variant (3).
Genome position (GRCh38, 1-based): chr20:58,854,554, A>G. VCF-style: chr20-58854554-A-G. GRCh37 (hg19) VCF-style: chr20-57429609-A-G.
Other names: c.1102A>G, p.Thr368Ala (NM_001077490.3, NM_001309883.1); c.1289A>G, p.Asp430Gly (NM_001410913.1); c.*42+13668A>G (NM_016592.5); c.43+13668A>G (NM_001410912.1); c.-39+12679A>G (NM_001309861.2); short protein forms D430G, T368A.
Identifiers: ClinVar variation 3356414 (VCV003356414.1).

ClinVar aggregate classification (germline): Uncertain significance (0 of 4 stars; one submission).

Conditions:
GNAS-related disorder. Identifiers: MedGen CN380105.

gnomAD v4.1: 1 of 1,549,598 alleles (0.000065%); highest among the groups gnomAD compares: Admixed American, 0.0019%; no homozygotes.

Submission:

PreventionGenetics, part of Exact Sciences
Classification: Uncertain significance for GNAS-related condition. Last evaluated: 2024-05-17. Review status: no assertion criteria provided. Collection method: clinical testing. Allele origin: germline.
Comment: The GNAS c.1289A>G variant is predicted to result in the amino acid substitution p.Asp430Gly. To our knowledge, this variant has not been reported in the literature or in a large population database, indicating this variant is rare. At this time, the clinical significance of this variant is uncertain due to the absence of conclusive functional and genetic evidence.